The following is an entry in ClinVar:

ClinVar aggregate classification (germline): Uncertain significance (1 of 4 stars; one submission).

Allele frequency attached by ClinVar (database versions not stated): TOPMed below 0.00001; gnomAD 0.00001; 1000 Genomes Project 0.00020.

Submission:

Labcorp Genetics (formerly Invitae), Labcorp
Classification: Uncertain significance. Last evaluated: 2022-06-13. Review status: criteria provided, single submitter. Criteria: Invitae Variant Classification Sherloc (09022015). Collection method: clinical testing. Allele origin: germline.
Comment: This sequence change falls in intron 16 of the TRAF3IP1 gene. It does not directly change the encoded amino acid sequence of the TRAF3IP1 protein. It affects a nucleotide within the consensus splice site. In summary, the available evidence is currently insufficient to determine the role of this variant in disease. Therefore, it has been classified as a Variant of Uncertain Significance. Variants that disrupt the consensus splice site are a relatively common cause of aberrant splicing (PMID: 17576681, 9536098). Algorithms developed to predict the effect of sequence changes on RNA splicing suggest that this variant may disrupt the consensus splice site. This variant has not been reported in the literature in individuals affected with TRAF3IP1-related conditions. This variant is not present in population databases (gnomAD no frequency).

Literature cited by the submitters: PubMed 17576681; PubMed 9536098.

NM_015650.4(TRAF3IP1):c.1910+5G>A

Gene: TRAF3IP1 (TRAF3 interacting protein 1; plus strand). Cytogenetic location: 2q37.3.
Variant type: single nucleotide variant.
Coding change: c.1910+5G>A on transcript NM_015650.4 (MANE Select); 5 bases into the intron after coding-DNA position 1910, G replaced by A.
Molecular consequence: intron variant.
Genome position (GRCh38, 1-based): chr2:238,397,684, G>A. VCF-style: chr2-238397684-G-A. GRCh37 (hg19) VCF-style: chr2-239306325-G-A.
Other names: c.1712+5G>A (NM_001139490.1).
Identifiers: ClinVar variation 1391478 (VCV001391478.6), dbSNP rs558661638, ClinGen allele CA2198604.
Genomic context (GRCh38, chr2:238,397,684, plus strand): 5'-CAGATGTGGCACAGCGAGAACAGGCAGCACGCCGAGGCCCTGCAGCAGGAGCAGAGGTGG[G>A]GGGTAGTAATGGGGAGGGGGCCCTGCAGCAGGAGCAGAGGTGGGGGGTAGTAATGGGGAG-3'